The following is an entry in ClinVar:

ClinVar aggregate classification (germline): Uncertain significance (1 of 4 stars; one submission).

Conditions:
Werner syndrome (WRN). Identifiers: Orphanet 902, MedGen C0043119, MONDO:0010196, OMIM 277700.

Allele frequency attached by ClinVar (database versions not stated): gnomAD exomes below 0.00001 and 0.00001.
gnomAD v4.1: 7 of 1,613,884 alleles (0.00043%); no homozygotes.

Submission:

Labcorp Genetics (formerly Invitae), Labcorp
Classification: Uncertain significance for Werner syndrome. Last evaluated: 2022-08-31. Review status: criteria provided, single submitter. Criteria: Invitae Variant Classification Sherloc (09022015). Collection method: clinical testing. Allele origin: germline.
Comment: This sequence change replaces asparagine, which is neutral and polar, with serine, which is neutral and polar, at codon 23 of the WRN protein (p.Asn23Ser). This variant is present in population databases (no rsID available, gnomAD 0.02%). This variant has not been reported in the literature in individuals affected with WRN-related conditions. ClinVar contains an entry for this variant (Variation ID: 841149). Algorithms developed to predict the effect of missense changes on protein structure and function output the following: SIFT: "Not Available"; PolyPhen-2: "Benign"; Align-GVGD: "Not Available". The serine amino acid residue is found in multiple mammalian species, which suggests that this missense change does not adversely affect protein function. In summary, the available evidence is currently insufficient to determine the role of this variant in disease. Therefore, it has been classified as a Variant of Uncertain Significance.

NM_000553.6(WRN):c.68A>G (p.Asn23Ser)

Gene: WRN (WRN RecQ like helicase; plus strand). Cytogenetic location: 8p12.
Variant type: single nucleotide variant.
Coding change: c.68A>G on transcript NM_000553.6 (MANE Select); coding-DNA position 68, A replaced by G.
Protein change: p.Asn23Ser; replaces asparagine 23 with serine.
Molecular consequence: missense variant.
Genome position (GRCh38, 1-based): chr8:31,058,515, A>G. VCF-style: chr8-31058515-A-G. GRCh37 (hg19) VCF-style: chr8-30916031-A-G.
Other names: short protein forms N23S.
Identifiers: ClinVar variation 841149 (VCV000841149.4), dbSNP rs1332328134, ClinGen allele CA370912232.